The following is an entry in ClinVar:

NM_001367624.2(ZNF469):c.6530A>T (p.Glu2177Val)

Gene: ZNF469 (zinc finger protein 469; plus strand). Cytogenetic location: 16q24.2.
Variant type: single nucleotide variant.
Coding change: c.6530A>T on transcript NM_001367624.2 (MANE Select); coding-DNA position 6530, A replaced by T.
Protein change: p.Glu2177Val; replaces glutamic acid 2177 with valine.
Molecular consequence: missense variant.
Genome position (GRCh38, 1-based): chr16:88,434,000, A>T. VCF-style: chr16-88434000-A-T. GRCh37 (hg19) VCF-style: chr16-88500408-A-T.
Other names: NM_001127464.1:c.6446A>T; short protein forms E2177V.
Identifiers: ClinVar variation 3987383 (VCV003987383.1).
Genomic context (GRCh38, chr16:88,434,000, plus strand): 5'-GGGACCCTCCCGGCCCCCAGCAGCTGCTGGCCTGTTCTCCTGCCTGGGCACCTCTGGAAG[A>T]GGCAGATGGCGTCCAAGCCACGACAGATACTGGGGCTGAGGATTCCCCGGTGGCTCCCCC-3'
Protein context (NP_001354553.1, residues 2167-2187): ACSPAWAPLE[Glu2177Val]ADGVQATTDT

ClinVar aggregate classification (germline): Uncertain significance (1 of 4 stars; one submission).

Conditions:
Cardiovascular phenotype. Identifiers: MedGen CN230736.

gnomAD v4.1: 1 of 1,550,222 alleles (0.000065%); highest among the groups gnomAD compares: Non-Finnish European, 0.000087%; no homozygotes.

Submission:

Ambry Genetics
Classification: Uncertain significance for Cardiovascular phenotype. Last evaluated: 2025-06-07. Review status: criteria provided, single submitter. Criteria: Ambry Variant Classification Scheme 2023. Collection method: clinical testing. Allele origin: germline.
Comment: The p.E2149V variant (also known as c.6446A>T), located in coding exon 2 of the ZNF469 gene, results from an A to T substitution at nucleotide position 6446. The glutamic acid at codon 2149 is replaced by valine, an amino acid with dissimilar properties. This amino acid position is conserved. In addition, this alteration is predicted to be tolerated by in silico analysis. Based on the available evidence, the clinical significance of this variant remains unclear.